The following is an entry in ClinVar:

GRCh37/hg19 3q26.2-26.33(chr3:168118411-179867071)x3

Genes: ACTL6A (actin like 6A; plus strand), ACTRT3 (actin related protein T3; minus strand), CLDN11 (claudin 11; plus strand), ECT2 (epithelial cell transforming 2; plus strand), EIF5A2 (eukaryotic translation initiation factor 5A2; minus strand) and 37 more. Cytogenetic location: 3q26.2-26.33.
Variant type: copy number gain.
Change: copy number 3 (three copies instead of two) of chr3:168,118,411-179,867,071 (11.75 Mb, GRCh37 coordinates, 1-based), cytogenetic band 3q26.2-26.33.
Identifiers: ClinVar variation 1340561 (VCV001340561.1).

ClinVar aggregate classification (germline): Likely pathogenic (0 of 4 stars; one submission).

Submission:

Quest Diagnostics Nichols Institute San Juan Capistrano
Classification: Likely pathogenic. Last evaluated: 2021-05-01. Review status: no assertion criteria provided. Collection method: clinical testing. Allele origin: germline.
Comment: The copy number gain of 3q26.2q26.33 involves numerous protein-coding genes. A smaller 2 Mb duplication at 3q26.2, arising de novo, was reported in a case resembling partial trisomy 3q syndrome including intellectual disability, synophrys, a wide nasal bridge, dysmorphic ears, clinodactyly, and cardiac defects (Molck et al., Mol Syndromol. 2018 Jul;9(4):197-204. PMID: 30140197). The authors further analyzed the case-series of partial trisomy 3q syndrome and suggest 3q26.2 could be triplosensitive. However, Faas et al proposed a critical region of 3q26.3, which is adjacent but not overlapping the 3q26.2 segment in this syndrome (Faas et al., Clin Genet. 2002 Oct;62(4):315-20. PMID: 12372060). The current gain interval fully encompasses the 3q26.2 region by Molck et al and overlaps the 3q26.3 region by Faas et al. Furthermore, cases with overlapping duplications of 3q25q26 have been described without typical features of trisomy 3q syndrome and a milder or nearly normal phenotype, or only developmental delay with minor facial dysmorphism (Meins et al., Am J Med Genet A. 2005 Jan 1;132A(1):84-9. PMID: 15551338; Rizzu et al., Am J Med Genet. 1997 Feb 11;68(4):428-32. PMID: 9021016). This large duplication also includes multiple OMIM genes associated with autosomal dominant phenotypes: MECOM (OMIM 616738), TERC (OMIM 127550), GHSR (OMIM 615925), NLGN1 (OMIM 618830), TBL1XR1 (OMIM 616944 and 602342), and GNB4 (OMIM 615185). Thus, based on literature review, duplication size and gene content, this copy number gain is interpreted as likely pathogenic.